The following is an entry in ClinVar:

ClinVar aggregate classification (germline): Conflicting classifications of pathogenicity. Review status: criteria provided, conflicting classifications (1 of 4 stars). 2 submissions from 2 submitters: Uncertain significance (1); Likely benign (1). Last evaluated 2024-10-16.

Conditions:
Hereditary cancer-predisposing syndrome. Also called: Hereditary neoplastic syndrome; Neoplastic Syndromes, Hereditary; Hereditary Cancer Syndrome; Tumor predisposition. Identifiers: Orphanet 140162, MedGen C0027672, MeSH D009386, MONDO:0015356.

Allele frequency attached by ClinVar (database versions not stated): gnomAD exomes below 0.00001.
gnomAD v4.1: 1 of 1,607,390 alleles (0.000062%); highest among the groups gnomAD compares: African/African-American, 0.0013%; no homozygotes.

Submissions (2):

Ambry Genetics
Classification: Uncertain significance for Hereditary cancer-predisposing syndrome. Last evaluated: 2024-10-16. Review status: criteria provided, single submitter. Criteria: Ambry Variant Classification Scheme 2023. Collection method: clinical testing. Allele origin: germline.
Comment: The c.105+3A>G intronic variant results from an A to G substitution 3 nucleotides after coding exon 1 in the CTNNA1 gene. This nucleotide position is well conserved in available vertebrate species. In silico splice site analysis predicts that this alteration will not have any significant effect on splicing. The evidence for this gene-disease relationship is limited; therefore, the clinical significance of this alteration is unclear.

Labcorp Genetics (formerly Invitae), Labcorp
Classification: Likely benign. Last evaluated: 2023-11-27. Review status: criteria provided, single submitter. Criteria: Invitae Variant Classification Sherloc (09022015). Collection method: clinical testing. Allele origin: germline.

NM_001903.5(CTNNA1):c.105+3A>G

Gene: CTNNA1 (catenin alpha 1; plus strand). Cytogenetic location: 5q31.2.
Variant type: single nucleotide variant.
Coding change: c.105+3A>G on transcript NM_001903.5 (MANE Select); 3 bases into the intron after coding-DNA position 105, A replaced by G.
Molecular consequence: intron variant.
Genome position (GRCh38, 1-based): chr5:138,782,032, A>G. VCF-style: chr5-138782032-A-G. GRCh37 (hg19) VCF-style: chr5-138117721-A-G.
Other names: c.105+3A>G (NM_001903.2, NM_001323982.2, NM_001323984.2 and 4 more transcripts); c.-102+3A>G (NM_001290310.3); c.-9+3A>G (NM_001290309.3).
Identifiers: ClinVar variation 658925 (VCV000658925.9), dbSNP rs1580978250, ClinGen allele CA915942585.
Genomic context (GRCh38, chr5:138,782,032, plus strand): 5'-AAGTCTAGAGATCAGGACTCTGGCAGTTGAGAGACTGTTGGAGCCTCTTGTTACACAGGT[A>G]AGAATCTGAAAACACAAATACATTGTAACATGGTTCTATAGCACAGGCCTGGGTAACAAC-3'